The following is an entry in ClinVar:

ClinVar aggregate classification (germline): Uncertain significance (1 of 4 stars; one submission).

Conditions:
MTOR-related disorder. Also called: MTOR-related condition.

Submission:

PreventionGenetics, part of Exact Sciences
Classification: Uncertain significance for MTOR-related condition. Last evaluated: 2026-09-15. Review status: criteria provided, single submitter. Criteria: ACMG Guidelines, 2015. Collection method: clinical testing. Allele origin: germline.
Comment: The MTOR c.4849C>G variant is predicted to result in the amino acid substitution p.Gln1617Glu. To our knowledge, this variant has not been reported in the literature or in a large population database (gnomAD), indicating this variant is rare. At this time, the clinical significance of this variant is uncertain due to the absence of conclusive functional and genetic evidence.

NM_004958.4(MTOR):c.4849C>G (p.Gln1617Glu)

Genes: MTOR (mechanistic target of rapamycin kinase; minus strand), MTOR-AS1 (MTOR antisense RNA 1; plus strand). Cytogenetic location: 1p36.22.
Variant type: single nucleotide variant.
Coding change: c.4849C>G on transcript NM_004958.4 (MANE Select); coding-DNA position 4849, C replaced by G.
Protein change: p.Gln1617Glu; replaces glutamine 1617 with glutamic acid.
Molecular consequence: missense variant. On other transcripts: non-coding transcript variant (1).
Genome position (GRCh38, 1-based): chr1:11,144,671, G>C on the plus strand (C>G on the coding strand, the complement: MTOR is on the minus strand). VCF-style: chr1-11144671-G-C. GRCh37 (hg19) VCF-style: chr1-11204728-G-C.
Other names: c.4849C>G, p.Gln1617Glu (NM_001386500.1); c.3601C>G, p.Gln1201Glu (NM_001386501.1); short protein forms Q1201E, Q1617E.
Identifiers: ClinVar variation 4982204 (VCV004982204.1).